The following is an entry in ClinVar:

ClinVar aggregate classification (germline): Likely benign (1 of 4 stars; one submission).

Allele frequency attached by ClinVar (database versions not stated): gnomAD 0.00003; TOPMed 0.00003; gnomAD exomes 0.00004.
gnomAD v4.1: 64 of 1,539,696 alleles (0.0042%); highest among the groups gnomAD compares: Middle Eastern, 0.017%; no homozygotes.

Submission:

GeneDx
Classification: Likely benign. Last evaluated: 2017-01-31. Review status: criteria provided, single submitter. Criteria: GeneDx Variant Classification (06012015). Collection method: clinical testing. Allele origin: germline. Affected: yes.
Comment: This variant is considered likely benign or benign based on one or more of the following criteria: it is a conservative change, it occurs at a poorly conserved position in the protein, it is predicted to be benign by multiple in silico algorithms, and/or has population frequency not consistent with disease.

NM_000387.6(SLC25A20):c.-37C>T

Gene: SLC25A20 (solute carrier family 25 member 20; minus strand). Cytogenetic location: 3p21.31.
Variant type: single nucleotide variant.
Coding change: c.-37C>T on transcript NM_000387.6 (MANE Select); 37 bases upstream of the start codon, C replaced by T.
Molecular consequence: 5 prime UTR variant.
Genome position (GRCh38, 1-based): chr3:48,898,831, G>A on the plus strand (C>T on the coding strand, the complement: SLC25A20 is on the minus strand). VCF-style: chr3-48898831-G-A. GRCh37 (hg19) VCF-style: chr3-48936264-G-A.
Identifiers: ClinVar variation 506825 (VCV000506825.1), dbSNP rs988351619, ClinGen allele CA74001913.